The following is an entry in ClinVar:

ClinVar aggregate classification (germline): Benign/Likely benign. Review status: criteria provided, multiple submitters, no conflicts (2 of 4 stars). 4 submissions from 4 submitters: Benign (1); Likely benign (3). Last evaluated 2026-01-28.

Conditions:
Congenital hyperammonemia, type I. Also called: CPS I DEFICIENCY; Carbamoyl phosphate synthetase I deficiency disease; Carbamoyl-phosphate synthase I deficiency; Carbamoyl phosphate synthetase 1 deficiency; Hyperammonemia due to carbamoyl phosphate synthetase 1 deficiency; CPS 1 deficiency. Identifiers: Orphanet 147, MedGen C4082171, MONDO:0009376, OMIM 237300.

Allele frequency attached by ClinVar (database versions not stated): gnomAD exomes 0.00065; ExAC 0.00080; 1000 Genomes Project 30x 0.00172; 1000 Genomes Project 0.00200; gnomAD 0.00263 and 0.00289; ESP Exome Variant Server 0.00269; TOPMed 0.00317.
gnomAD v4.1: 827 of 1,610,076 alleles (0.051%); highest among the groups gnomAD compares: African/African-American, 1%; 1 homozygote.

Submissions (4):

Labcorp Genetics (formerly Invitae), Labcorp
Classification: Benign for Congenital hyperammonemia, type I. Last evaluated: 2026-01-28. Review status: criteria provided, single submitter. Criteria: Invitae Variant Classification Sherloc (09022015). Collection method: clinical testing. Allele origin: germline.

Illumina Laboratory Services, Illumina
Classification: Likely benign for Congenital hyperammonemia, type I. Last evaluated: 2018-01-12. Review status: criteria provided, single submitter. Criteria: ICSL Variant Classification Criteria 13 December 2019. Collection method: clinical testing. Allele origin: germline.
Comment: This variant was observed in the ICSL laboratory as part of a predisposition screen in an ostensibly healthy population. It had not been previously curated by ICSL or reported in the Human Gene Mutation Database (HGMD: prior to June 1st, 2018), and was therefore a candidate for classification through an automated scoring system. Utilizing variant allele frequency, disease prevalence and penetrance estimates, and inheritance mode, an automated score was calculated to assess if this variant is too frequent to cause the disease. Based on the score and internal cut-off values, a variant classified as likely benign is not then subjected to further curation. The score for this variant resulted in a classification of likely benign for this disease.

GeneDx
Classification: Likely benign. Last evaluated: 2017-03-08. Review status: criteria provided, single submitter. Criteria: GeneDx Variant Classification (06012015). Collection method: clinical testing. Allele origin: germline. Affected: yes.
Comment: This variant is considered likely benign or benign based on one or more of the following criteria: it is a conservative change, it occurs at a poorly conserved position in the protein, it is predicted to be benign by multiple in silico algorithms, and/or has population frequency not consistent with disease.

Eurofins Ntd Llc (ga)
Classification: Likely benign. Last evaluated: 2017-01-04. Review status: criteria provided, single submitter. Criteria: EGL Classification Definitions 2015. Collection method: clinical testing. Allele origin: germline. Observed: 1 variant allele, 1 heterozygote.

NM_001875.5(CPS1):c.529-4A>T

Gene: CPS1 (carbamoyl-phosphate synthase 1; plus strand). Cytogenetic location: 2q34.
Variant type: single nucleotide variant.
Coding change: c.529-4A>T on transcript NM_001875.5 (MANE Select); 4 bases into the intron before coding-DNA position 529, A replaced by T.
Molecular consequence: intron variant.
Genome position (GRCh38, 1-based): chr2:210,582,613, A>T. VCF-style: chr2-210582613-A-T. GRCh37 (hg19) VCF-style: chr2-211447337-A-T.
Other names: c.529-4A>T (LRG_336t1, NM_001369257.1, NM_001122633.3); c.562-4A>T (NM_001369256.1).
Identifiers: ClinVar variation 377751 (VCV000377751.21), dbSNP rs191182348, ClinGen allele CA2086070.